The following is an entry in ClinVar:

NM_003079.5(SMARCE1):c.855T>G (p.Ile285Met)

Gene: SMARCE1 (SWI/SNF related BAF chromatin remodeling complex subunit E1; minus strand). Cytogenetic location: 17q21.2.
Variant type: single nucleotide variant.
Coding change: c.855T>G on transcript NM_003079.5 (MANE Select); coding-DNA position 855, T replaced by G.
Protein change: p.Ile285Met; replaces isoleucine 285 with methionine.
Molecular consequence: missense variant.
Genome position (GRCh38, 1-based): chr17:40,630,886, A>C on the plus strand (T>G on the coding strand, the complement: SMARCE1 is on the minus strand). VCF-style: chr17-40630886-A-C. GRCh37 (hg19) VCF-style: chr17-38787138-A-C.
Other names: short protein forms I285M.
Identifiers: ClinVar variation 3799025 (VCV003799025.1).

ClinVar aggregate classification (germline): Uncertain significance (1 of 4 stars; one submission).

Conditions:
Hereditary cancer-predisposing syndrome. Also called: Neoplastic Syndromes, Hereditary; Hereditary Cancer Syndrome; Tumor predisposition; Hereditary neoplastic syndrome. Identifiers: Orphanet 140162, MedGen C0027672, MeSH D009386, MONDO:0015356.

Submission:

Ambry Genetics
Classification: Uncertain significance for Hereditary cancer-predisposing syndrome. Last evaluated: 2025-03-08. Review status: criteria provided, single submitter. Criteria: Ambry Variant Classification Scheme 2023. Collection method: clinical testing. Allele origin: germline.
Comment: The p.I285M variant (also known as c.855T>G), located in coding exon 9 of the SMARCE1 gene, results from a T to G substitution at nucleotide position 855. The isoleucine at codon 285 is replaced by methionine, an amino acid with highly similar properties. This amino acid position is conserved. In addition, this alteration is predicted to be tolerated by in silico analysis. Based on the available evidence, the clinical significance of this variant remains unclear.